The following is an entry in ClinVar:

ClinVar aggregate classification (germline): Likely benign (1 of 4 stars; one submission).

Allele frequency attached by ClinVar (database versions not stated): ESP Exome Variant Server 0.00008; gnomAD exomes 0.00104 and 0.00418; gnomAD 0.00143 and 0.00227; TOPMed 0.00211; ExAC 0.00398; 1000 Genomes Project 30x 0.01405; 1000 Genomes Project 0.01538.
gnomAD v4.1: 2,021 of 1,555,578 alleles (0.13%); highest among the groups gnomAD compares: East Asian, 3.1%; 51 homozygotes.

Submission:

GeneDx
Classification: Likely benign. Last evaluated: 2021-05-14. Review status: criteria provided, single submitter. Criteria: GeneDx Variant Classification Process June 2021. Collection method: clinical testing. Allele origin: germline. Affected: yes.
Comment: See Variant Classification Assertion Criteria.

NM_020964.3(EPG5):c.2257+44T>C

Gene: EPG5 (ectopic P-granules 5 autophagy tethering factor; minus strand). Cytogenetic location: 18q21.1.
Variant type: single nucleotide variant.
Coding change: c.2257+44T>C on transcript NM_020964.3 (MANE Select); 44 bases into the intron after coding-DNA position 2257, T replaced by C.
Molecular consequence: intron variant.
Genome position (GRCh38, 1-based): chr18:45,934,765, A>G on the plus strand (T>C on the coding strand, the complement: EPG5 is on the minus strand). VCF-style: chr18-45934765-A-G. GRCh37 (hg19) VCF-style: chr18-43514731-A-G.
Identifiers: ClinVar variation 1678782 (VCV001678782.2), dbSNP rs78696159, ClinGen allele CA8949471.
Genomic context (GRCh38, chr18:45,934,765, plus strand): 5'-GTAAAACATTTTCTCTTAGTCCTTCTAAAAGTAAAAATTAAGCCCTGAAGAGAAGCACAA[A>G]AAGATAGGGAGAGCTGGACGCCGACTGCTCGGCGGGGCTGTACCTTGGAGCTGCTGCTTG-3'